The following is an entry in ClinVar:

ClinVar aggregate classification (germline): Uncertain significance. Review status: criteria provided, multiple submitters, no conflicts (2 of 4 stars). 2 submissions from 2 submitters: Uncertain significance (2). Last evaluated 2024-09-27.

Conditions:
Pfeiffer syndrome (ACS5). Also called: ACS V. Identifiers: Orphanet 710, MedGen C0220658, MONDO:0007043, OMIM 101600.
Hypogonadotropic hypogonadism 2 with or without anosmia (HH2). Also called: HYPOGONADOTROPIC HYPOGONADISM 2 WITH OR WITHOUT ANOSMIA, SUSCEPTIBILITY TO; HYPOGONADOTROPIC HYPOGONADISM 2 WITHOUT ANOSMIA, SUSCEPTIBILITY TO; FGFR1-Related GnRH Deficiency (Kallmann Syndrome 2); HYPOGONADOTROPIC HYPOGONADISM 2 WITHOUT ANOSMIA. Identifiers: Orphanet 478, MedGen C1563720, MONDO:0007844, OMIM 147950. Disease mechanism: loss of function.

Allele frequency attached by ClinVar (database versions not stated): gnomAD 0.00001; gnomAD exomes 0.00001; TOPMed 0.00001; ExAC 0.00002.
gnomAD v4.1: 7 of 1,613,730 alleles (0.00043%); highest among the groups gnomAD compares: Non-Finnish European, 0.00051%; no homozygotes.

Submissions (2):

Labcorp Genetics (formerly Invitae), Labcorp
Classification: Uncertain significance for Pfeiffer syndrome; Hypogonadotropic hypogonadism 2 with or without anosmia. Last evaluated: 2024-09-27. Review status: criteria provided, single submitter. Criteria: Invitae Variant Classification Sherloc (09022015). Collection method: clinical testing. Allele origin: germline.
Comment: This sequence change replaces histidine, which is basic and polar, with arginine, which is basic and polar, at codon 798 of the FGFR1 protein (p.His798Arg). This variant is present in population databases (rs755160898, gnomAD 0.004%). This variant has not been reported in the literature in individuals affected with FGFR1-related conditions. Invitae Evidence Modeling of protein sequence and biophysical properties (such as structural, functional, and spatial information, amino acid conservation, physicochemical variation, residue mobility, and thermodynamic stability) has been performed for this missense variant. However, the output from this modeling did not meet the statistical confidence thresholds required to predict the impact of this variant on FGFR1 protein function. In summary, the available evidence is currently insufficient to determine the role of this variant in disease. Therefore, it has been classified as a Variant of Uncertain Significance.

Women's Health and Genetics/Laboratory Corporation of America, LabCorp
Classification: Uncertain significance. Last evaluated: 2023-11-17. Review status: criteria provided, single submitter. Criteria: LabCorp Variant Classification Summary - May 2015. Collection method: clinical testing. Allele origin: germline.
Comment: Variant summary: FGFR1 c.2393A>G (p.His798Arg) results in a non-conservative amino acid change in the encoded protein sequence. Three of five in-silico tools predict a damaging effect of the variant on protein function. The variant allele was found at a frequency of 1.6e-05 in 248136 control chromosomes. The available data on variant occurrences in the general population are insufficient to allow any conclusion about variant significance. To our knowledge, no occurrence of c.2393A>G in individuals affected with FGFR1-Related Disorders and no experimental evidence demonstrating its impact on protein function have been reported. No submitters have cited clinical-significance assessments for this variant to ClinVar after 2014. Based on the evidence outlined above, the variant was classified as uncertain significance.

NM_023110.3(FGFR1):c.2393A>G (p.His798Arg)

Gene: FGFR1 (fibroblast growth factor receptor 1; minus strand). Cytogenetic location: 8p11.23.
Variant type: single nucleotide variant.
Coding change: c.2393A>G on transcript NM_023110.3 (MANE Select); coding-DNA position 2393, A replaced by G.
Protein change: p.His798Arg; replaces histidine 798 with arginine.
Molecular consequence: missense variant. On other transcripts: intron variant (3).
Genome position (GRCh38, 1-based): chr8:38,413,704, T>C on the plus strand (A>G on the coding strand, the complement: FGFR1 is on the minus strand). VCF-style: chr8-38413704-T-C. GRCh37 (hg19) VCF-style: chr8-38271222-T-C.
Other names: c.2393A>G, p.His798Arg (NM_000604.2); c.2387A>G, p.His796Arg (NM_001174063.2, NM_001174065.2, NM_015850.4); c.2363A>G, p.His788Arg (NM_001174064.2); c.2126A>G, p.His709Arg (NM_001174066.2, NM_023105.3); c.2486A>G, p.His829Arg (NM_001174067.2); c.2114A>G, p.His705Arg (NM_001354368.2); c.2381A>G, p.His794Arg (NM_001410922.1); c.2120A>G, p.His707Arg (NM_023106.3); and 3 more; short protein forms H705R, H707R, H709R, H788R, H794R, H796R, H798R, H829R.
Identifiers: ClinVar variation 2682619 (VCV002682619.3), dbSNP rs755160898, ClinGen allele CA4718084.